The following is an entry in ClinVar:

NM_206933.4(USH2A):c.1172G>T (p.Ser391Ile)

Gene: USH2A (usherin; minus strand). Cytogenetic location: 1q41.
Variant type: single nucleotide variant.
Coding change: c.1172G>T on transcript NM_206933.4 (MANE Select); coding-DNA position 1172, G replaced by T.
Protein change: p.Ser391Ile; replaces serine 391 with isoleucine.
Molecular consequence: missense variant.
Genome position (GRCh38, 1-based): chr1:216,324,324, C>A on the plus strand (G>T on the coding strand, the complement: USH2A is on the minus strand). VCF-style: chr1-216324324-C-A. GRCh37 (hg19) VCF-style: chr1-216497666-C-A.
Other names: c.1172G>T, p.Ser391Ile (NM_007123.6); short protein forms S391I.
Identifiers: ClinVar variation 1015542 (VCV001015542.11), dbSNP rs949082769, ClinGen allele CA37898360.

ClinVar aggregate classification (germline): Pathogenic. Review status: criteria provided, multiple submitters, no conflicts (2 of 4 stars). 3 submissions from 3 submitters: Pathogenic (2). 1 of the submissions does not count toward it. Last evaluated 2024-10-07.

Conditions:
Usher syndrome type 2A. Also called: RETINAL DISEASE IN USHER SYNDROME TYPE IIA, MODIFIER OF; USHER SYNDROME, TYPE IIA. Identifiers: Orphanet 231178, Orphanet 886, MedGen C1848634, MONDO:0010169, OMIM 276901.

Allele frequency attached by ClinVar (database versions not stated): gnomAD exomes below 0.00001; gnomAD 0.00001; TOPMed 0.00001.
gnomAD v4.1: 6 of 1,611,970 alleles (0.00037%); highest among the groups gnomAD compares: Non-Finnish European, 0.00051%; no homozygotes.

Submissions (3):

Equipe Genetique des Anomalies du Developpement, Université de Bourgogne
Classification: Pathogenic for Usher syndrome type 2A. Last evaluated: 2024-10-07. Review status: criteria provided, single submitter. Criteria: ACMG Guidelines, 2015. Collection method: clinical testing. Allele origin: paternal. Affected: yes.
Comment: This variant is not present in a homozygous state in population database gnomAD (v4.1.0). In ClinVar, it was reported once as pathogenic and once as a VOUS. Based on the evidence outlined above, the variant was classified as pathogenic.

Labcorp Genetics (formerly Invitae), Labcorp
Classification: Pathogenic. Last evaluated: 2022-11-15. Review status: criteria provided, single submitter. Criteria: Invitae Variant Classification Sherloc (09022015). Collection method: clinical testing. Allele origin: germline.
Comment: This variant is present in population databases (no rsID available, gnomAD 0.0009%). This sequence change replaces serine, which is neutral and polar, with isoleucine, which is neutral and non-polar, at codon 391 of the USH2A protein (p.Ser391Ile). For these reasons, this variant has been classified as Pathogenic. This variant disrupts the p.Ser391 amino acid residue in USH2A. Other variant(s) that disrupt this residue have been observed in individuals with USH2A-related conditions (PMID: 24944099), which suggests that this may be a clinically significant amino acid residue. Advanced modeling of protein sequence and biophysical properties (such as structural, functional, and spatial information, amino acid conservation, physicochemical variation, residue mobility, and thermodynamic stability) performed at Invitae indicates that this missense variant is expected to disrupt USH2A protein function. ClinVar contains an entry for this variant (Variation ID: 1015542). This missense change has been observed in individual(s) with clinical features of Usher syndrome (PMID: 15325563; Invitae). In at least one individual the data is consistent with being in trans (on the opposite chromosome) from a pathogenic variant.

Natera, Inc.
Classification: Uncertain significance for Usher syndrome type 2A. Last evaluated: 2021-08-18. Review status: flagged submission. Collection method: clinical testing. Allele origin: germline. Not counted in ClinVar's aggregate classification.
ClinVar note: Reason: Claim with insufficient supporting evidence

Literature cited by the submitters: PubMed 24944099 (cited by Labcorp Genetics (formerly Invitae), Labcorp); PubMed 15325563 (cited by Labcorp Genetics (formerly Invitae), Labcorp).